The following is an entry in ClinVar:

NM_000465.4(BARD1):c.1903+7G>A

Gene: BARD1 (BRCA1 associated RING domain 1; minus strand). Cytogenetic location: 2q35.
Variant type: single nucleotide variant.
Coding change: c.1903+7G>A on transcript NM_000465.4 (MANE Select); 7 bases into the intron after coding-DNA position 1903, G replaced by A.
Molecular consequence: intron variant.
Genome position (GRCh38, 1-based): chr2:214,745,060, C>T on the plus strand (G>A on the coding strand, the complement: BARD1 is on the minus strand). VCF-style: chr2-214745060-C-T. GRCh37 (hg19) VCF-style: chr2-215609784-C-T.
Other names: c.493+7G>A (NM_001282548.2); c.1846+7G>A (NM_001282543.2); c.550+7G>A (NM_001282545.2); c.365-14552G>A (NM_001282549.2).
Identifiers: ClinVar variation 3378859 (VCV003378859.1).

ClinVar aggregate classification (germline): Likely benign (1 of 4 stars; one submission).

Conditions:
Familial cancer of breast. Also called: hereditary breast carcinoma; Hereditary breast cancer; BREAST CANCER, FAMILIAL. Identifiers: Orphanet 227535, MedGen C0346153, MONDO:0016419, OMIM 114480. Disease mechanism: loss of function.

Submission:

Myriad Genetics, Inc.
Classification: Likely benign for Familial cancer of breast. Last evaluated: 2024-07-29. Review status: criteria provided, single submitter. Criteria: Myriad Autosomal Dominant, Autosomal Recessive and X-Linked Classification Criteria (2023). Collection method: clinical testing. Allele origin: unknown.
Comment: This variant is considered likely benign. This variant is intronic and is not expected to impact mRNA splicing.